The following is an entry in ClinVar:

ClinVar aggregate classification (germline): Benign. Review status: criteria provided, multiple submitters, no conflicts (2 of 4 stars). 4 submissions from 3 submitters: Benign (4). Last evaluated 2020-03-19.

Conditions:
Chilblain lupus 2 (CHBL2). Identifiers: MedGen C3280721, MONDO:0013739, OMIM 614415.
Aicardi-Goutieres syndrome 5. Identifiers: Orphanet 51, MedGen C2749659, MONDO:0013059, OMIM 612952.

Allele frequency attached by ClinVar (database versions not stated): 1000 Genomes Project 30x 0.00515; gnomAD 0.00229 and 0.00283; TOPMed 0.00261; ExAC 0.00437; 1000 Genomes Project 0.00459; gnomAD exomes 0.00462 and 0.00484.
gnomAD v4.1: 7,332 of 1,584,406 alleles (0.46%); highest among the groups gnomAD compares: South Asian, 2.1%; 47 homozygotes.

Submissions (33):

Dubai Health Genomic Medicine Center, Dubai Health
Classification: Benign. Last evaluated: 2020-03-19. Review status: criteria provided, single submitter. Criteria: ACMG Guidelines, 2015. Collection method: clinical testing. Allele origin: germline. Affected: yes.

Illumina Laboratory Services, Illumina
Classification: Benign for Chilblain lupus 2. Last evaluated: 2018-01-12. Review status: criteria provided, single submitter. Criteria: ICSL Variant Classification Criteria 13 December 2019. Collection method: clinical testing. Allele origin: germline.
Comment: This variant was observed in the ICSL laboratory as part of a predisposition screen in an ostensibly healthy population. It had not been previously curated by ICSL or reported in the Human Gene Mutation Database (HGMD: prior to June 1st, 2018), and was therefore a candidate for classification through an automated scoring system. Utilizing variant allele frequency, disease prevalence and penetrance estimates, and inheritance mode, an automated score was calculated to assess if this variant is too frequent to cause the disease. Based on the score and internal cut-off values, a variant classified as benign is not then subjected to further curation. The score for this variant resulted in a classification of benign for this disease.

Illumina Laboratory Services, Illumina
Classification: Benign for Aicardi-Goutieres syndrome 5. Last evaluated: 2018-01-12. Review status: criteria provided, single submitter. Criteria: ICSL Variant Classification Criteria 13 December 2019. Collection method: clinical testing. Allele origin: germline.
Comment: the same text as in the submission from Illumina Laboratory Services, Illumina above.

Breakthrough Genomics
Classification: Benign. Review status: criteria provided, single submitter. Criteria: ACMG Guidelines, 2015. Collection method: not provided. Allele origin: germline. Inheritance: Autosomal recessive inheritance. Affected: yes.

Dr. Peter K. Rogan Lab, Western University
No classification provided (evidence only). Condition: Malignant tumor of urinary bladder. Review status: no classification provided. Collection method: in vitro. Allele origin: not applicable. Functional consequence: retained intron. Not counted in ClinVar's aggregate classification.

Dr. Peter K. Rogan Lab, Western University
No classification provided (evidence only). Condition: Malignant tumor of urinary bladder. Review status: no classification provided. Collection method: in vitro. Allele origin: not applicable. Functional consequence: retained intron. Not counted in ClinVar's aggregate classification.

Dr. Peter K. Rogan Lab, Western University
No classification provided (evidence only). Condition: Malignant tumor of urinary bladder. Review status: no classification provided. Collection method: in vitro. Allele origin: not applicable. Functional consequence: retained intron. Not counted in ClinVar's aggregate classification.

Dr. Peter K. Rogan Lab, Western University
No classification provided (evidence only). Condition: Malignant tumor of urinary bladder. Review status: no classification provided. Collection method: in vitro. Allele origin: not applicable. Functional consequence: retained intron. Not counted in ClinVar's aggregate classification.

Dr. Peter K. Rogan Lab, Western University
No classification provided (evidence only). Condition: Clear cell carcinoma of kidney. Review status: no classification provided. Collection method: in vitro. Allele origin: not applicable. Functional consequence: retained intron. Not counted in ClinVar's aggregate classification.

Dr. Peter K. Rogan Lab, Western University
No classification provided (evidence only). Condition: Clear cell carcinoma of kidney. Review status: no classification provided. Collection method: in vitro. Allele origin: not applicable. Functional consequence: retained intron. Not counted in ClinVar's aggregate classification.

Dr. Peter K. Rogan Lab, Western University
No classification provided (evidence only). Condition: Lung cancer. Review status: no classification provided. Collection method: in vitro. Allele origin: not applicable. Functional consequence: retained intron. Not counted in ClinVar's aggregate classification.

Dr. Peter K. Rogan Lab, Western University
No classification provided (evidence only). Condition: Lung cancer. Review status: no classification provided. Collection method: in vitro. Allele origin: not applicable. Functional consequence: retained intron. Not counted in ClinVar's aggregate classification.

Dr. Peter K. Rogan Lab, Western University
No classification provided (evidence only). Condition: Familial cancer of breast. Review status: no classification provided. Collection method: in vitro. Allele origin: not applicable. Functional consequence: retained intron. Not counted in ClinVar's aggregate classification.

Dr. Peter K. Rogan Lab, Western University
No classification provided (evidence only). Condition: Familial cancer of breast. Review status: no classification provided. Collection method: in vitro. Allele origin: not applicable. Functional consequence: retained intron. Not counted in ClinVar's aggregate classification.

Dr. Peter K. Rogan Lab, Western University
No classification provided (evidence only). Condition: Familial cancer of breast. Review status: no classification provided. Collection method: in vitro. Allele origin: not applicable. Functional consequence: retained intron. Not counted in ClinVar's aggregate classification.

Dr. Peter K. Rogan Lab, Western University
No classification provided (evidence only). Condition: Acute myeloid leukemia. Review status: no classification provided. Collection method: in vitro. Allele origin: not applicable. Functional consequence: retained intron. Not counted in ClinVar's aggregate classification.

Dr. Peter K. Rogan Lab, Western University
No classification provided (evidence only). Condition: Acute myeloid leukemia. Review status: no classification provided. Collection method: in vitro. Allele origin: not applicable. Functional consequence: retained intron. Not counted in ClinVar's aggregate classification.

Dr. Peter K. Rogan Lab, Western University
No classification provided (evidence only). Condition: Colon adenocarcinoma. Review status: no classification provided. Collection method: in vitro. Allele origin: not applicable. Functional consequence: retained intron. Not counted in ClinVar's aggregate classification.

Dr. Peter K. Rogan Lab, Western University
No classification provided (evidence only). Condition: Colon adenocarcinoma. Review status: no classification provided. Collection method: in vitro. Allele origin: not applicable. Functional consequence: retained intron. Not counted in ClinVar's aggregate classification.

Dr. Peter K. Rogan Lab, Western University
No classification provided (evidence only). Condition: Thyroid cancer, nonmedullary, 1. Review status: no classification provided. Collection method: in vitro. Allele origin: not applicable. Functional consequence: retained intron. Not counted in ClinVar's aggregate classification.

Dr. Peter K. Rogan Lab, Western University
No classification provided (evidence only). Condition: Thyroid cancer, nonmedullary, 1. Review status: no classification provided. Collection method: in vitro. Allele origin: not applicable. Functional consequence: retained intron. Not counted in ClinVar's aggregate classification.

Dr. Peter K. Rogan Lab, Western University
No classification provided (evidence only). Condition: Thyroid cancer, nonmedullary, 1. Review status: no classification provided. Collection method: in vitro. Allele origin: not applicable. Functional consequence: retained intron. Not counted in ClinVar's aggregate classification.

Dr. Peter K. Rogan Lab, Western University
No classification provided (evidence only). Condition: Thyroid cancer, nonmedullary, 1. Review status: no classification provided. Collection method: in vitro. Allele origin: not applicable. Functional consequence: retained intron. Not counted in ClinVar's aggregate classification.

Dr. Peter K. Rogan Lab, Western University
No classification provided (evidence only). Condition: Hepatocellular carcinoma. Review status: no classification provided. Collection method: in vitro. Allele origin: not applicable. Functional consequence: retained intron. Not counted in ClinVar's aggregate classification.

Dr. Peter K. Rogan Lab, Western University
No classification provided (evidence only). Condition: Thymoma. Review status: no classification provided. Collection method: in vitro. Allele origin: not applicable. Functional consequence: retained intron. Not counted in ClinVar's aggregate classification.

Dr. Peter K. Rogan Lab, Western University
No classification provided (evidence only). Condition: Thymoma. Review status: no classification provided. Collection method: in vitro. Allele origin: not applicable. Functional consequence: retained intron. Not counted in ClinVar's aggregate classification.

Dr. Peter K. Rogan Lab, Western University
No classification provided (evidence only). Condition: Thymoma. Review status: no classification provided. Collection method: in vitro. Allele origin: not applicable. Functional consequence: retained intron. Not counted in ClinVar's aggregate classification.

Dr. Peter K. Rogan Lab, Western University
No classification provided (evidence only). Condition: Thymoma. Review status: no classification provided. Collection method: in vitro. Allele origin: not applicable. Functional consequence: retained intron. Not counted in ClinVar's aggregate classification.

Dr. Peter K. Rogan Lab, Western University
No classification provided (evidence only). Condition: Cholangiocarcinoma. Review status: no classification provided. Collection method: in vitro. Allele origin: not applicable. Functional consequence: retained intron. Not counted in ClinVar's aggregate classification.

Dr. Peter K. Rogan Lab, Western University
No classification provided (evidence only). Condition: Ovarian serous cystadenocarcinoma. Review status: no classification provided. Collection method: in vitro. Allele origin: not applicable. Functional consequence: retained intron. Not counted in ClinVar's aggregate classification.

Dr. Peter K. Rogan Lab, Western University
No classification provided (evidence only). Condition: Ovarian serous cystadenocarcinoma. Review status: no classification provided. Collection method: in vitro. Allele origin: not applicable. Functional consequence: retained intron. Not counted in ClinVar's aggregate classification.

Dr. Peter K. Rogan Lab, Western University
No classification provided (evidence only). Condition: Gastric cancer. Review status: no classification provided. Collection method: in vitro. Allele origin: not applicable. Functional consequence: retained intron. Not counted in ClinVar's aggregate classification.

Dr. Peter K. Rogan Lab, Western University
No classification provided (evidence only). Condition: Malignant tumor of esophagus. Review status: no classification provided. Collection method: in vitro. Allele origin: not applicable. Functional consequence: retained intron. Not counted in ClinVar's aggregate classification.

NM_080628.3(TLDC2):c.*18-1G>T

Genes: SAMHD1 (SAM and HD domain containing deoxynucleoside triphosphate triphosphohydrolase 1; minus strand), TLDC2 (TBC/LysM-associated domain containing 2; plus strand). Cytogenetic location: 20q11.23.
Variant type: single nucleotide variant.
Coding change: c.*18-1G>T on transcript NM_080628.3 (MANE Select); the canonical splice acceptor site of the intron before 18 bases downstream of the stop codon, G replaced by T.
Molecular consequence: splice acceptor variant. On other transcripts: 3 prime UTR variant (3).
Genome position (GRCh38, 1-based): chr20:36,892,861, G>T. VCF-style: chr20-36892861-G-T. GRCh37 (hg19) VCF-style: chr20-35521264-G-T.
Other names: NC_000020.10:g.35521264G>T; c.*71C>A (NM_001363729.2, NM_015474.4); c.*1045C>A (NM_001363733.2); c.*18-1G>T (NM_001304783.1).
Identifiers: ClinVar variation 338337 (VCV000338337.9), dbSNP rs138927042, ClinGen allele CA9844383.